The following is an entry in ClinVar:

NM_030787.4(CFHR5):c.622T>C (p.Cys208Arg)

Gene: CFHR5 (complement factor H related 5; plus strand). Cytogenetic location: 1q31.3.
Variant type: single nucleotide variant.
Coding change: c.622T>C on transcript NM_030787.4 (MANE Select); coding-DNA position 622, T replaced by C.
Protein change: p.Cys208Arg; replaces cysteine 208 with arginine.
Molecular consequence: missense variant.
Genome position (GRCh38, 1-based): chr1:196,995,731, T>C. VCF-style: chr1-196995731-T-C. GRCh37 (hg19) VCF-style: chr1-196964861-T-C.
Other names: short protein forms C208R.
Identifiers: ClinVar variation 279752 (VCV000279752.48), dbSNP rs41299613, ClinGen allele CA1307818.
Genomic context (GRCh38, chr1:196,995,731, plus strand): 5'-TACTTATAAGACCATTTAAGCATTATTTATGGTTTCTTTATAATAGGACAAGTACGATCA[T>C]GTGGTCCACCTCCTCAACTCTCCAATGGTGAAGTTAAGGAGATAAGAAAAGAGGAATATG-3'
Protein context (NP_110414.1, residues 198-218): FPTCKGQVRS[Cys208Arg]GPPPQLSNGE

ClinVar aggregate classification (germline): Conflicting classifications of pathogenicity. Review status: criteria provided, conflicting classifications (1 of 4 stars). 7 submissions from 7 submitters: Uncertain significance (4); Likely benign (3). Last evaluated 2026-01-18.

Conditions:
CFH-Related Dense Deposit Disease / Membranoproliferative Glomerulonephritis Type II. Identifiers: MedGen CN071292.
Chronic kidney disease. Identifiers: MedGen C1561643, MONDO:0005300, HP:0012622.

Allele frequency attached by ClinVar (database versions not stated): 1000 Genomes Project 0.00040; 1000 Genomes Project 30x 0.00062; ExAC 0.00121; gnomAD exomes 0.00135 and 0.00251; gnomAD 0.00157 and 0.00158; TOPMed 0.00158; ESP Exome Variant Server 0.00177.

Submissions (7):

Labcorp Genetics (formerly Invitae), Labcorp
Classification: Likely benign. Last evaluated: 2026-01-18. Review status: criteria provided, single submitter. Criteria: Invitae Variant Classification Sherloc (09022015). Collection method: clinical testing. Allele origin: germline.

Mayo Clinic Laboratories, Mayo Clinic
Classification: Uncertain significance. Last evaluated: 2025-04-09. Review status: criteria provided, single submitter. Criteria: ACMG Guidelines, 2015. Collection method: clinical testing. Allele origin: germline. Observed: 14 variant alleles.
Comment: BS2

Women's Health and Genetics/Laboratory Corporation of America, LabCorp
Classification: Likely benign. Last evaluated: 2024-10-02. Review status: criteria provided, single submitter. Criteria: LabCorp Variant Classification Summary - May 2015. Collection method: clinical testing. Allele origin: germline.

CeGaT Center for Human Genetics Tuebingen
Classification: Likely benign. Last evaluated: 2022-07-01. Review status: criteria provided, single submitter. Criteria: CeGaT Center For Human Genetics Tuebingen Variant Classification Criteria Version 2. Collection method: clinical testing. Allele origin: germline. Affected: yes. Observed: 1 variant allele.
Comment: CFHR5: BS2

GeneDx
Classification: Uncertain significance. Last evaluated: 2020-07-01. Review status: criteria provided, single submitter. Criteria: GeneDx Variant Classification Process June 2021. Collection method: clinical testing. Allele origin: germline. Affected: yes.
Comment: Identified in a patient with immune complexmediated membranoproliferative glomerulonephritis in published literature (Gomez Delgado). This patient was also heterozygous for the c.486dupA variant in the CFHR5 gene (c.486_487insA using alternate nomenclature), and it is not known if these variants occurred on the same (in cis) or on different (in trans) chromosomes; In silico analysis supports that this missense variant has a deleterious effect on protein structure/function.

Cavalleri Lab, Royal College of Surgeons in Ireland
Classification: Uncertain significance for Chronic kidney disease. Last evaluated: 2020-05-28. Review status: criteria provided, single submitter. Criteria: ACMG Guidelines, 2015. Collection method: research. Allele origin: unknown. Inheritance: Autosomal dominant inheritance. Affected: yes.
Comment: PP3, PP5, BS1

Illumina Laboratory Services, Illumina
Classification: Uncertain significance for Membranoproliferative glomerulonephritis with complement factor h deficiency. Last evaluated: 2018-01-13. Review status: criteria provided, single submitter. Criteria: ICSL Variant Classification Criteria 13 December 2019. Collection method: clinical testing. Allele origin: germline.

Literature cited by the submitters: PubMed 34260947 (cited by Mayo Clinic Laboratories, Mayo Clinic); PubMed 34566977 (cited by Mayo Clinic Laboratories, Mayo Clinic); PubMed 35355886 (cited by Mayo Clinic Laboratories, Mayo Clinic).